The following is an entry in ClinVar:

ClinVar aggregate classification (germline): Likely pathogenic (1 of 4 stars; one submission).

Conditions:
alpha Thalassemia. Also called: Alpha thalassemia spectrum. Identifiers: Orphanet 846, MedGen C0002312, MONDO:0011399, OMIM 604131.

Submission:

Natera, Inc.
Classification: Likely pathogenic for Alpha thalassemia. Last evaluated: 2025-07-20. Review status: criteria provided, single submitter. Criteria: Natera Variant Classification Schema (03/2026). Collection method: clinical testing. Allele origin: germline.
Comment: The c.114delC variant in HBA1 is a frameshift variant predicted to shift the reading frame beginning at codon 39 and leads to a stop codon 11 codons downstream. This variant is expected to result in nonsense mediated decay, truncation, or a dysfunctional protein product. This variant is rare in the general population with a frequency below the threshold expected for the associated phenotype(s). Given the available evidence, this variant is classified as Likely Pathogenic.

NM_000558.5(HBA1):c.114del (p.Thr39fs)

Genes: HBA1 (hemoglobin subunit alpha 1; plus strand), LOC106804613 (hemoglobin subunit alpha 1 recombination region; plus strand). Cytogenetic location: 16p13.3.
Variant type: Deletion.
Coding change: c.114del on transcript NM_000558.5 (MANE Select); coding-DNA position 114, one base deleted (C; older notation c.114delC).
Protein change: p.Thr39fs; shifts the reading frame from threonine 39.
Molecular consequence: frameshift variant.
Genome position (GRCh38, 1-based): chr16:176,947, C deleted; the last of 4 consecutive C bases (chr16:176,944-176,947); deleting any one gives the same sequence. VCF-style (leftmost placement, unchanged base first): chr16-176943-TC-T. GRCh37 (hg19) VCF-style: chr16-226942-TC-T.
Other names: short protein forms T39fs.
Identifiers: ClinVar variation 4814361 (VCV004814361.1).